The following is an entry in ClinVar:

NM_006086.4(TUBB3):c.666C>T (p.Tyr222=)

Gene: TUBB3 (tubulin beta 3 class III; plus strand). Cytogenetic location: 16q24.3.
Variant type: single nucleotide variant.
Coding change: c.666C>T on transcript NM_006086.4 (MANE Select); coding-DNA position 666, C replaced by T.
Protein change: p.Tyr222=; no amino-acid change (tyrosine 222 retained).
Molecular consequence: synonymous variant.
Genome position (GRCh38, 1-based): chr16:89,935,117, C>T. VCF-style: chr16-89935117-C-T. GRCh37 (hg19) VCF-style: chr16-90001525-C-T.
Other names: p.Tyr222=; c.450C>T, p.Tyr150= (NM_001197181.2).
Identifiers: ClinVar variation 160194 (VCV000160194.25), dbSNP rs61743676, ClinGen allele CA173796.

ClinVar aggregate classification (germline): Benign/Likely benign. Review status: criteria provided, multiple submitters, no conflicts (2 of 4 stars). 9 submissions from 9 submitters: Benign (3); Likely benign (3). 3 of the submissions do not count toward it. Last evaluated 2026-01-21.

Conditions:
TUBB3-related disorder. Also called: TUBB3-related condition; TUBB3-related disorders.

Allele frequency attached by ClinVar (database versions not stated): gnomAD 0.00021 and 0.00117; ESP Exome Variant Server 0.00023; TOPMed 0.00053; gnomAD exomes 0.00209 and 0.00417; ExAC 0.00481; 1000 Genomes Project 30x 0.00859; 1000 Genomes Project 0.00919.
gnomAD v4.1: 3,238 of 1,614,164 alleles (0.2%); highest among the groups gnomAD compares: South Asian, 3.2%; 72 homozygotes.

Submissions (9):

Labcorp Genetics (formerly Invitae), Labcorp
Classification: Benign. Last evaluated: 2026-01-21. Review status: criteria provided, single submitter. Criteria: Invitae Variant Classification Sherloc (09022015). Collection method: clinical testing. Allele origin: germline.

Blueprint Genetics
Classification: Likely benign. Last evaluated: 2024-11-25. Review status: criteria provided, single submitter. Criteria: ACMG Guidelines, 2015. Collection method: clinical testing. Allele origin: germline.

Mayo Clinic Laboratories, Mayo Clinic
Classification: Benign. Last evaluated: 2020-03-10. Review status: criteria provided, single submitter. Criteria: ACMG Guidelines, 2015. Collection method: clinical testing. Allele origin: germline. Observed: 5 variant alleles.

GeneDx
Classification: Benign. Last evaluated: 2019-03-19. Review status: criteria provided, single submitter. Criteria: GeneDx Variant Classification Process June 2021. Collection method: clinical testing. Allele origin: germline. Affected: yes.

Genetic Services Laboratory, University of Chicago
Classification: Likely benign. Last evaluated: 2014-02-20. Review status: criteria provided, single submitter. Criteria: ACMG Guidelines, 2007. Collection method: clinical testing. Allele origin: germline. Inheritance: Autosomal dominant inheritance.
Comment: Likely benign based on allele frequency in 1000 Genomes Project or ESP global frequency and its presence in a patient with a rare or unrelated disease phenotype. NOT Sanger confirmed

Breakthrough Genomics
Classification: Likely benign. Review status: criteria provided, single submitter. Criteria: ACMG Guidelines, 2015. Collection method: not provided. Allele origin: germline. Inheritance: Autosomal dominant inheritance. Affected: yes.

PreventionGenetics, part of Exact Sciences
Classification: Benign for TUBB3-related condition. Last evaluated: 2019-06-17. Review status: no assertion criteria provided. Collection method: clinical testing. Allele origin: germline. Not counted in ClinVar's aggregate classification.
Comment: This variant is classified as benign based on ACMG/AMP sequence variant interpretation guidelines (Richards et al. 2015 PMID: 25741868, with internal and published modifications).

Clinical Genetics DNA and cytogenetics Diagnostics Lab, Erasmus MC, Erasmus Medical Center
Classification: Benign. Review status: no assertion criteria provided. Collection method: clinical testing. Allele origin: germline. Affected: yes. Study: VKGL Data-share Consensus. Not counted in ClinVar's aggregate classification.

Clinical Genetics, Academic Medical Center
Classification: Benign. Review status: no assertion criteria provided. Collection method: clinical testing. Allele origin: germline. Affected: yes. Study: VKGL Data-share Consensus. Not counted in ClinVar's aggregate classification.